The following is an entry in ClinVar:

ClinVar aggregate classification (germline): Uncertain significance (1 of 4 stars; one submission).

Conditions:
Inborn genetic diseases. Identifiers: MedGen C0950123, MeSH D030342.

Submission:

Ambry Genetics
Classification: Uncertain significance for Inborn genetic diseases. Last evaluated: 2025-12-24. Review status: criteria provided, single submitter. Criteria: Ambry Variant Classification Scheme 2023. Collection method: clinical testing. Allele origin: germline.
Comment: The c.1382G>T (p.S461I) alteration is located in exon 11 (coding exon 11) of the ASXL3 gene. This alteration results from a G to T substitution at nucleotide position 1382, causing the serine (S) at amino acid position 461 to be replaced by an isoleucine (I). Based on data from gnomAD, the T allele has an overall frequency of <0.001% (1/248726) total alleles studied. The highest observed frequency was 0.001% (1/112662) of European (non-Finnish) alleles. Based on insufficient or conflicting evidence, the clinical significance of this alteration remains unclear.

NM_030632.3(ASXL3):c.1382G>T (p.Ser461Ile)

Gene: ASXL3 (ASXL transcriptional regulator 3; plus strand). Cytogenetic location: 18q12.1.
Variant type: single nucleotide variant.
Coding change: c.1382G>T on transcript NM_030632.3 (MANE Select); coding-DNA position 1382, G replaced by T.
Protein change: p.Ser461Ile; replaces serine 461 with isoleucine.
Molecular consequence: missense variant.
Genome position (GRCh38, 1-based): chr18:33,738,786, G>T. VCF-style: chr18-33738786-G-T. GRCh37 (hg19) VCF-style: chr18-31318750-G-T.
Other names: short protein forms S461I.
Identifiers: ClinVar variation 4832923 (VCV004832923.1).
Genomic context (GRCh38, chr18:33,738,786, plus strand): 5'-ATATCTTGATCCCTGAAGAATCTGTAATTCAGGAGGAAATTGCAGAAGAGGTAGAGACTA[G>T]TATCTGTGAATGCCAGGATGAAAATCATAAGACAATACCTGAATTTTCTGAGGAGGCTGA-3'
Protein context (NP_085135.1, residues 451-471): QEEIAEEVET[Ser461Ile]ICECQDENHK